The following is an entry in ClinVar:

ClinVar aggregate classification (germline): Benign. Review status: criteria provided, multiple submitters, no conflicts (2 of 4 stars). 12 submissions from 12 submitters: Benign (10). 2 of the submissions do not count toward it. Last evaluated 2026-02-03.

Conditions:
Cardiovascular phenotype. Identifiers: MedGen CN230736.
Noonan syndrome and Noonan-related syndrome. Identifiers: Orphanet 98733, MedGen C5681679, MONDO:0020297.
Noonan syndrome 9 (NS9). Identifiers: Orphanet 648, MedGen C4225282, MONDO:0014691, OMIM 616559.

Allele frequency attached by ClinVar (database versions not stated): ESP Exome Variant Server 0.01653; gnomAD 0.02070 and 0.02130; ExAC 0.02102; gnomAD exomes 0.02199 and 0.02385; 1000 Genomes Project 30x 0.01031; 1000 Genomes Project 0.01158; TOPMed 0.01329.
gnomAD v4.1: 37,664 of 1,613,700 alleles (2.3%); highest among the groups gnomAD compares: Non-Finnish European, 2.5%; 645 homozygotes.

Submissions (12):

Labcorp Genetics (formerly Invitae), Labcorp
Classification: Benign for Noonan syndrome 9. Last evaluated: 2026-02-03. Review status: criteria provided, single submitter. Criteria: Invitae Variant Classification Sherloc (09022015). Collection method: clinical testing. Allele origin: germline.

Blueprint Genetics
Classification: Benign. Last evaluated: 2024-11-27. Review status: criteria provided, single submitter. Criteria: ACMG Guidelines, 2015. Collection method: clinical testing. Allele origin: germline.

Mayo Clinic Laboratories, Mayo Clinic
Classification: Benign. Last evaluated: 2022-04-26. Review status: criteria provided, single submitter. Criteria: ACMG Guidelines, 2015. Collection method: clinical testing. Allele origin: germline. Observed: 34 variant alleles.

Genome Diagnostics Laboratory, The Hospital for Sick Children
Classification: Benign for Noonan syndrome and Noonan-related syndrome. Last evaluated: 2021-06-03. Review status: criteria provided, single submitter. Criteria: ACMG Guidelines, 2015. Collection method: clinical testing. Allele origin: germline.

Ambry Genetics
Classification: Benign for Cardiovascular phenotype. Last evaluated: 2019-05-17. Review status: criteria provided, single submitter. Criteria: Ambry Variant Classification Scheme 2023. Collection method: clinical testing. Allele origin: germline.

Laboratory for Molecular Medicine, Mass General Brigham Personalized Medicine
Classification: Benign. Last evaluated: 2018-12-27. Review status: criteria provided, single submitter. Criteria: LMM Criteria. Collection method: clinical testing. Allele origin: germline. Observed: 1 variant allele.
Comment: p.Ser272Ser in exon 6 of SOS2: This variant is not expected to have clinical significance because it does not alter an amino acid residue, is not located within the splice consensus sequence, and has been identified in 8.61% (568/6600) of Finnish chromosomes by the Exome Aggregation Consortium (ExAC; dbSNP rs35396088).

Women's Health and Genetics/Laboratory Corporation of America, LabCorp
Classification: Benign. Last evaluated: 2017-04-12. Review status: criteria provided, single submitter. Criteria: LabCorp Variant Classification Summary - May 2015. Collection method: clinical testing. Allele origin: germline.
Comment: Variant summary: The SOS2 c.816T>C (p.Ser272Ser) variant involves the alteration of a non-conserved nucleotide, resulting in a synonymous change. One in silico tool predicts a polymorphism outcome for this variant. 5/5 splice prediction tools predict no significant impact on normal splicing. However, these predictions have yet to be confirmed by functional studies. This variant was found in 2546/121094 control chromosomes at a frequency of 0.021025, which is approximately 8410 times the estimated maximal expected allele frequency of a pathogenic SOS2 variant (0.0000025), suggesting this variant is likely a benign polymorphism. The variant of interest has not, to our knowledge, been reported in affected individuals via publications and/or reputable databases/clinical diagnostic laboratories; nor evaluated for functional impact by in vivo/vitro studies. Taken together, this variant is classified as benign.

GeneDx
Classification: Benign. Last evaluated: 2017-03-01. Review status: criteria provided, single submitter. Criteria: GeneDx Variant Classification (06012015). Collection method: clinical testing. Allele origin: germline. Affected: yes.
Comment: This variant is considered likely benign or benign based on one or more of the following criteria: it is a conservative change, it occurs at a poorly conserved position in the protein, it is predicted to be benign by multiple in silico algorithms, and/or has population frequency not consistent with disease.

Breakthrough Genomics
Classification: Benign. Review status: criteria provided, single submitter. Criteria: ACMG Guidelines, 2015. Collection method: not provided. Allele origin: germline. Inheritance: Autosomal dominant inheritance. Affected: yes.

Genome-Nilou Lab
Classification: Benign for Noonan syndrome 9. Review status: criteria provided, single submitter. Criteria: ACMG Guidelines, 2015. Collection method: clinical testing. Allele origin: germline.

Clinical Genetics, Academic Medical Center
Classification: Benign. Review status: no assertion criteria provided. Collection method: clinical testing. Allele origin: germline. Affected: yes. Study: VKGL Data-share Consensus. Not counted in ClinVar's aggregate classification.

Joint Genome Diagnostic Labs from Nijmegen and Maastricht, Radboudumc and MUMC+
Classification: Benign. Review status: no assertion criteria provided. Collection method: clinical testing. Allele origin: germline. Affected: yes. Study: VKGL Data-share Consensus. Not counted in ClinVar's aggregate classification.

NM_006939.4(SOS2):c.816T>C (p.Ser272=)

Gene: SOS2 (SOS Ras/Rho guanine nucleotide exchange factor 2; minus strand). Cytogenetic location: 14q21.3.
Variant type: single nucleotide variant.
Coding change: c.816T>C on transcript NM_006939.4 (MANE Select); coding-DNA position 816, T replaced by C.
Protein change: p.Ser272=; no amino-acid change (serine 272 retained).
Molecular consequence: synonymous variant.
Genome position (GRCh38, 1-based): chr14:50,182,505, A>G on the plus strand (T>C on the coding strand, the complement: SOS2 is on the minus strand). VCF-style: chr14-50182505-A-G. GRCh37 (hg19) VCF-style: chr14-50649223-A-G.
Other names: p.Ser272=.
Identifiers: ClinVar variation 475762 (VCV000475762.30), dbSNP rs35396088, ClinGen allele CA7177447.